The following is an entry in ClinVar:

ClinVar aggregate classification (germline): Uncertain significance (1 of 4 stars; one submission).

Submission:

GeneDx
Classification: Uncertain significance. Last evaluated: 2023-12-05. Review status: criteria provided, single submitter. Criteria: GeneDx Variant Classification Process June 2021. Collection method: clinical testing. Allele origin: germline. Affected: yes.
Comment: Not observed at significant frequency in large population cohorts (gnomAD); In silico analysis supports that this missense variant has a deleterious effect on protein structure/function; Has not been previously published as pathogenic or benign to our knowledge

NM_001370100.5(ZMYND11):c.20G>T (p.Arg7Ile)

Gene: ZMYND11 (zinc finger MYND-type containing 11; plus strand). Cytogenetic location: 10p15.3.
Variant type: single nucleotide variant.
Coding change: c.20G>T on transcript NM_001370100.5 (MANE Select); coding-DNA position 20, G replaced by T.
Protein change: p.Arg7Ile; replaces arginine 7 with isoleucine.
Molecular consequence: missense variant. On other transcripts: 5 prime UTR variant (3), non-coding transcript variant (1), intron variant (5).
Genome position (GRCh38, 1-based): chr10:180,032, G>T. VCF-style: chr10-180032-G-T. GRCh37 (hg19) VCF-style: chr10-225972-G-T.
Other names: c.20G>T, p.Arg7Ile (NM_001202464.3, NM_001202465.3, NM_001202466.3 and 24 more transcripts); c.-127G>T (NM_001330057.3, NM_001370112.2, NM_001370123.2); c.-4-29857G>T (NM_001370118.2, NM_001370121.2); c.51-29857G>T (NM_001370116.2, NM_001370120.2); c.-34+45140G>T (NM_001370124.3); short protein forms R7I.
Identifiers: ClinVar variation 3253525 (VCV003253525.1), dbSNP rs2538905980.
Genomic context (GRCh38, chr10:180,032, plus strand): 5'-ATGTTTTTGTTTATTACTGCAGCTAAAGAAGTAAACAGGTCATGGCACGTTTAACAAAAA[G>T]ACGACAGGCGGATACAAAAGCTATCCAGCATCTTTGGGCAGCCATTGAGATTATACGGAA-3'
Protein context (NP_001357029.1, residues 1-17): MARLTK[Arg7Ile]RQADTKAIQH